The following is an entry in ClinVar:

NM_182961.4(SYNE1):c.22737G>A (p.Leu7579=)

Gene: SYNE1 (spectrin repeat containing nuclear envelope protein 1; minus strand). Cytogenetic location: 6q25.2.
Variant type: single nucleotide variant.
Coding change: c.22737G>A on transcript NM_182961.4 (MANE Select); coding-DNA position 22737, G replaced by A.
Protein change: p.Leu7579=; no amino-acid change (leucine 7579 retained).
Molecular consequence: synonymous variant.
Genome position (GRCh38, 1-based): chr6:152,208,059, C>T on the plus strand (G>A on the coding strand, the complement: SYNE1 is on the minus strand). VCF-style: chr6-152208059-C-T. GRCh37 (hg19) VCF-style: chr6-152529194-C-T.
Other names: c.22524G>A, p.Leu7508= (NM_033071.5).
Identifiers: ClinVar variation 1306864 (VCV001306864.2), dbSNP rs2153409080, ClinGen allele CA452970044.

ClinVar aggregate classification (germline): Uncertain significance (1 of 4 stars; one submission).

Submission:

GeneDx
Classification: Uncertain significance. Last evaluated: 2019-03-12. Review status: criteria provided, single submitter. Criteria: GeneDx Variant Classification Process June 2021. Collection method: clinical testing. Allele origin: germline. Affected: yes.
Comment: Not observed in large population cohorts (Lek et al., 2016; McVean et al., 2012; Exome Variant Server); In silico analysis predict this variant may increase the strength of a cryptic splice donor site and lead to abnormal gene splicing; Has not been previously published as pathogenic or benign to our knowledge; In the absence of RNA/functional studies, the actual effect of this sequence change is unknown